The following is an entry in ClinVar:

NM_020779.4(WDR35):c.3130C>A (p.Leu1044Met)

Gene: WDR35 (WD repeat domain 35; minus strand). Cytogenetic location: 2p24.1.
Variant type: single nucleotide variant.
Coding change: c.3130C>A on transcript NM_020779.4 (MANE Select); coding-DNA position 3130, C replaced by A.
Protein change: p.Leu1044Met; replaces leucine 1044 with methionine.
Molecular consequence: missense variant.
Genome position (GRCh38, 1-based): chr2:19,914,269, G>T on the plus strand (C>A on the coding strand, the complement: WDR35 is on the minus strand). VCF-style: chr2-19914269-G-T. GRCh37 (hg19) VCF-style: chr2-20114030-G-T.
Other names: c.3163C>A, p.Leu1055Met (NM_001006657.2); short protein forms L1055M, L1044M.
Identifiers: ClinVar variation 3332802 (VCV003332802.3).

ClinVar aggregate classification (germline): Uncertain significance. Review status: criteria provided, multiple submitters, no conflicts (2 of 4 stars). 2 submissions from 2 submitters: Uncertain significance (2). Last evaluated 2024-05-21.

Conditions:
Inborn genetic diseases. Identifiers: MedGen C0950123, MeSH D030342.
Short-rib thoracic dysplasia 7 with or without polydactyly (SRTD7). Also called: Short rib polydactyly syndrome 5; SHORT-RIB THORACIC DYSPLASIA 7 WITH POLYDACTYLY. Identifiers: Orphanet 498497, Orphanet 93271, MedGen C3279792, MONDO:0013569, OMIM 614091.
Cranioectodermal dysplasia 2 (CED2). Identifiers: Orphanet 1515, MedGen C3150874, MONDO:0013323, OMIM 613610.

gnomAD v4.1: 17 of 1,614,062 alleles (0.0011%); highest among the groups gnomAD compares: East Asian, 0.036%; no homozygotes.

Submissions (2):

Ambry Genetics
Classification: Uncertain significance for Inborn genetic diseases. Last evaluated: 2024-05-21. Review status: criteria provided, single submitter. Criteria: Ambry Variant Classification Scheme 2023. Collection method: clinical testing. Allele origin: germline.

Juno Genomics, Hangzhou Juno Genomics, Inc
Classification: Uncertain significance for Cranioectodermal dysplasia 2; Short-rib thoracic dysplasia 7 with or without polydactyly. Review status: criteria provided, single submitter. Criteria: ACMG Guidelines, 2015. Collection method: clinical testing. Allele origin: germline.
Comment: Absent from controls (or at extremely low frequency if recessive) in Genome Aggregation Database.